The following is an entry in ClinVar:

ClinVar aggregate classification (germline): Pathogenic/Likely pathogenic. Review status: criteria provided, multiple submitters, no conflicts (2 of 4 stars). 29 submissions from 28 submitters: Pathogenic (21); Likely pathogenic (3). 5 of the submissions do not count toward it. Last evaluated 2026-04-29.

Conditions:
Monogenic hearing loss.
SLC26A4-related disorder. Also called: SLC26A4-related condition; SLC26A4-related disorders.
Rare genetic deafness. Identifiers: Orphanet 96210, MedGen C5680250.
Inborn genetic diseases. Identifiers: MedGen C0950123, MeSH D030342.
Autosomal recessive nonsyndromic hearing loss 4 (DFNB4). Also called: Nonsyndromic enlarged vestibular aqueduct (NSEVA); Deafness, autosomal recessive 4, with enlarged vestibular aqueduct; NEUROSENSORY NONSYNDROMIC RECESSIVE DEAFNESS 4; DEAFNESS, AUTOSOMAL RECESSIVE 4, WITH ENLARGED VESTIBULAR AQUEDUCT, DIGENIC; Deafness, autosomal recessive 4; Enlarged vestibular aqueduct, digenic. Identifiers: Orphanet 90636, MedGen C3538946, MONDO:0010933, OMIM 600791.
Pendred syndrome (PDS). Also called: DEAFNESS WITH GOITER; THYROID DYSHORMONOGENESIS 2B; THYROID HORMONOGENESIS, GENETIC DEFECT IN, 2B; GOITER-DEAFNESS SYNDROME; Pendred Syndrome (PDS); Pendred's syndrome. Identifiers: Orphanet 705, MedGen C0271829, MONDO:0010134, OMIM 274600.
Hearing impairment. Also called: Impaired Hearing. Identifiers: MedGen C1384666, MONDO:0005365, HP:0000365.

Allele frequency attached by ClinVar (database versions not stated): gnomAD exomes 0.00027 and 0.00050; TOPMed 0.00028; gnomAD 0.00034 and 0.00035; ExAC 0.00035.
gnomAD v4.1: 762 of 1,613,988 alleles (0.047%); highest among the groups gnomAD compares: Non-Finnish European, 0.062%; no homozygotes.

Submissions 1 to 11 of 29:

PreventionGenetics, part of Exact Sciences
Classification: Pathogenic for SLC26A4-related condition. Last evaluated: 2026-04-29. Review status: criteria provided, single submitter. Criteria: ACMG Guidelines, 2015. Collection method: clinical testing. Allele origin: germline.
Comment: The SLC26A4 c.707T>C variant is predicted to result in the amino acid substitution p.Leu236Pro. This variant has been reported to be causative for Pendred syndrome (see for example, van Hauwe et al. 1998. PubMed ID: 9618166; Campbell et al. 2001. PubMed ID: 11317356; Pourová et al. 2010. PubMed ID: 20597900). This variant is reported in 0.060% of alleles in individuals of European (Non-Finnish) descent in gnomAD. This variant is interpreted as pathogenic.

Victorian Clinical Genetics Services, Murdoch Childrens Research Institute
Classification: Pathogenic for Pendred syndrome. Last evaluated: 2026-04-24. Review status: criteria provided, single submitter. Criteria: ACMG Guidelines, 2015. Collection method: clinical testing. Allele origin: germline. Affected: yes.
Comment: This variant is classified as Pathogenic. Evidence in support of pathogenic classification: Variant is present in gnomAD <0.01 for a recessive condition (v4: 762 heterozygote(s), 0 homozygote(s)); This variant has very strong previous evidence of pathogenicity in unrelated individuals. This variant is one of the three most common variants in individuals of European descent with Pendred syndrome or deafness 4 with enlarged vestibular aqueduct (ClinVar, PMID: 20301640); Missense variant predicted to be damaging by in silico tool(s) or highly conserved with a major amino acid change. Additional information: Variant is predicted to result in a missense amino acid change from Leu to Pro; This variant is heterozygous; This gene is associated with autosomal recessive disease; Alternative amino acid change(s) at the same position are present in gnomAD (highest allele count: v4: 24 heterozygote(s), 0 homozygote(s)); Variant is located in the annotated sulfate permease family (DECIPHER); Loss of function is a known mechanism of disease in this gene and is associated with deafness with enlarged vestibular aqueduct (MIM#600791), and Pendred syndrome (MIM#274600); Variants in this gene are known to have variable expressivity (PMID: 20301640); Heterozygous variant detected in trans with a second PATHOGENIC heterozygous variant (NM_000441.2(SLC26A4):c.1342-2_1343dup) in a recessive disease.

Genetics Laboratory, Great Ormond Street Hospital NHS Foundation Trust, North Thames Genomic Laboratory Hub
Classification: Pathogenic for Monogenic hearing loss. Last evaluated: 2026-03-11. Review status: criteria provided, single submitter. Criteria: ACGS Best Practice Guidelines for Variant Classification in Rare Disease 2024 v1.2. Collection method: clinical testing. Allele origin: germline. Affected: yes.
Comment: PM2_supporting, PP3_supporting, PS3_supporting, PM3_very-strong, PP4_supporting

Labcorp Genetics (formerly Invitae), Labcorp
Classification: Pathogenic. Last evaluated: 2026-01-28. Review status: criteria provided, single submitter. Criteria: Invitae Variant Classification Sherloc (09022015). Collection method: clinical testing. Allele origin: germline.
Comment: This sequence change replaces leucine, which is neutral and non-polar, with proline, which is neutral and non-polar, at codon 236 of the SLC26A4 protein (p.Leu236Pro). This variant is present in population databases (rs80338848, gnomAD 0.06%). This missense change has been observed in individual(s) with Pendred syndrome and hearing loss (PMID: 9618166, 15689455, 20553101, 20597900, 26969326). In at least one individual the data is consistent with being in trans (on the opposite chromosome) from a pathogenic variant. ClinVar contains an entry for this variant (Variation ID: 4817). Invitae Evidence Modeling of protein sequence and biophysical properties (such as structural, functional, and spatial information, amino acid conservation, physicochemical variation, residue mobility, and thermodynamic stability) indicates that this missense variant is expected to disrupt SLC26A4 protein function with a positive predictive value of 95%. Experimental studies have shown that this missense change affects SLC26A4 function (PMID: 10861298, 12354788, 18310264). For these reasons, this variant has been classified as Pathogenic.

CeGaT Center for Human Genetics Tuebingen
Classification: Pathogenic. Last evaluated: 2026-01-01. Review status: criteria provided, single submitter. Criteria: CeGaT Center For Human Genetics Tuebingen Variant Classification Criteria Version 2. Collection method: clinical testing. Allele origin: germline. Affected: yes. Observed: 3 variant alleles.
Comment: SLC26A4: PM3:Very Strong, PM2, PM5, PP3, PS3:Supporting

Natera, Inc.
Classification: Pathogenic for Pendred syndrome. Last evaluated: 2025-11-17. Review status: criteria provided, single submitter. Criteria: Natera Variant Classification Schema (03/2026). Collection method: clinical testing. Allele origin: germline.
Comment: The c.707T>C variant in SLC26A4 is a missense variant predicted to cause substitution of leucine to proline at amino acid 236. This variant is rare in the general population with a frequency below the threshold expected for the associated phenotype(s). This variant has been observed in one or more individuals affected with the associated recessive disease, as either homozygous or compound heterozygous with a second variant (PMID: 23336812). Given the available evidence, this variant is classified as Pathogenic.

Ambry Genetics
Classification: Pathogenic for Inborn genetic diseases. Last evaluated: 2025-05-22. Review status: criteria provided, single submitter. Criteria: Ambry Variant Classification Scheme 2023. Collection method: clinical testing. Allele origin: germline.
Comment: The c.707T>C (p.L236P) alteration is located in exon 6 (coding exon 5) of the SLC26A4 gene. This alteration results from a T to C substitution at nucleotide position 707, causing the leucine (L) at amino acid position 236 to be replaced by a proline (P). Based on data from gnomAD, the C allele has an overall frequency of 0.029% (83/282766) total alleles studied. The highest observed frequency was 0.06% (77/129104) of European (non-Finnish) alleles. This variant has been identified in the homozygous state and in conjunction with other SLC264 variants in individuals with features consistent with SLC26A4-related deafness; in at least one instance, the variants were identified in trans (Van Hauwe, 1998; Downie, 2020; Badyga, 2023). Another variant at the same codon, c.706C>G (p.L236V), has been identified in individuals with features consistent with SLC26A4-related deafness (Chiong, 2018). This amino acid position is well conserved in available vertebrate species. This alteration is predicted to be deleterious by in silico analysis. Based on the available evidence, this alteration is classified as pathogenic.

Mayo Clinic Laboratories, Mayo Clinic
Classification: Pathogenic. Last evaluated: 2025-05-14. Review status: criteria provided, single submitter. Criteria: ACMG Guidelines, 2015. Collection method: clinical testing. Allele origin: germline. Observed: 1 variant allele.
Comment: PP3, PM2_supporting, PM3_very_strong, PM5, PS3

Women's Health and Genetics/Laboratory Corporation of America, LabCorp
Classification: Pathogenic for Pendred syndrome. Last evaluated: 2025-03-07. Review status: criteria provided, single submitter. Criteria: LabCorp Variant Classification Summary - May 2015. Collection method: clinical testing. Allele origin: germline.
Comment: Variant summary: SLC26A4 c.707T>C (p.Leu236Pro) results in a non-conservative amino acid change in the encoded protein sequence. Five of five in-silico tools predict a damaging effect of the variant on protein function. The variant allele was found at a frequency of 0.00027 in 251476 control chromosomes. This frequency is not significantly higher than estimated for a pathogenic variant in SLC26A4 causing Pendred Syndrome (0.00027 vs 0.0035), allowing no conclusion about variant significance. c.707T>C has been reported in the literature in multiple homozygous and compound heterozygous individuals affected with Pendred Syndrome (e.g. Rendtorff_2013, Scott_2000). These data indicate that the variant is very likely to be associated with disease. At least one publication reports experimental evidence evaluating an impact on protein function. The most pronounced variant effect results in loss of pendrin-induced chloride and iodide transport (e.g. Scott_2000). The following publications have been ascertained in the context of this evaluation (PMID: 23336812, 10861298). ClinVar contains an entry for this variant (Variation ID: 4817). Based on the evidence outlined above, the variant was classified as pathogenic.

Blueprint Genetics
Classification: Pathogenic for SLC26A4-related disorders. Last evaluated: 2024-11-06. Review status: criteria provided, single submitter. Criteria: ACMG Guidelines, 2015. Collection method: clinical testing. Allele origin: germline. Affected: yes. Observed: 5 variant alleles.

Baylor Genetics
Classification: Pathogenic for Autosomal recessive nonsyndromic hearing loss 4. Last evaluated: 2024-03-27. Review status: criteria provided, single submitter. Criteria: ACMG Guidelines, 2015. Collection method: clinical testing. Allele origin: unknown.

NM_000441.2(SLC26A4):c.707T>C (p.Leu236Pro)

Gene: SLC26A4 (solute carrier family 26 member 4; plus strand). Cytogenetic location: 7q22.3.
Variant type: single nucleotide variant.
Coding change: c.707T>C on transcript NM_000441.2 (MANE Select); coding-DNA position 707, T replaced by C.
Protein change: p.Leu236Pro; replaces leucine 236 with proline.
Molecular consequence: missense variant.
Genome position (GRCh38, 1-based): chr7:107,675,051, T>C. VCF-style: chr7-107675051-T-C. GRCh37 (hg19) VCF-style: chr7-107315496-T-C.
Other names: short protein forms L236P.
Identifiers: ClinVar variation 4817 (VCV000004817.94), dbSNP rs80338848, ClinGen allele CA261437.